The following is an entry in ClinVar:

NM_016292.3(TRAP1):c.1330T>A (p.Tyr444Asn)

Gene: TRAP1 (TNF receptor associated protein 1; minus strand). Cytogenetic location: 16p13.3.
Variant type: single nucleotide variant.
Coding change: c.1330T>A on transcript NM_016292.3 (MANE Select); coding-DNA position 1330, T replaced by A.
Protein change: p.Tyr444Asn; replaces tyrosine 444 with asparagine.
Molecular consequence: missense variant.
Genome position (GRCh38, 1-based): chr16:3,666,024, A>T on the plus strand (T>A on the coding strand, the complement: TRAP1 is on the minus strand). VCF-style: chr16-3666024-A-T. GRCh37 (hg19) VCF-style: chr16-3716025-A-T.
Other names: c.1171T>A, p.Tyr391Asn (NM_001272049.2); short protein forms Y444N, Y391N.
Identifiers: ClinVar variation 559148 (VCV000559148.50), dbSNP rs61756351, ClinGen allele CA7868151.

ClinVar aggregate classification (germline): Benign/Likely benign. Review status: criteria provided, multiple submitters, no conflicts (2 of 4 stars). 5 submissions from 5 submitters: Benign (1); Likely benign (2). 2 of the submissions do not count toward it. Last evaluated 2026-04-01.

Conditions:
TRAP1-related disorder. Also called: TRAP1-related condition.

Allele frequency attached by ClinVar (database versions not stated): 1000 Genomes Project 0.00200; 1000 Genomes Project 30x 0.00203; TOPMed 0.00453; ExAC 0.00466; gnomAD 0.00473 and 0.00483; ESP Exome Variant Server 0.00662.
gnomAD v4.1: 11,643 of 1,614,194 alleles (0.72%); highest among the groups gnomAD compares: Non-Finnish European, 0.9%; 62 homozygotes.

Submissions (5):

CeGaT Center for Human Genetics Tuebingen
Classification: Likely benign. Last evaluated: 2026-04-01. Review status: criteria provided, single submitter. Criteria: CeGaT Center For Human Genetics Tuebingen Variant Classification Criteria Version 2. Collection method: clinical testing. Allele origin: germline. Affected: yes. Observed: 7 variant alleles.
Comment: TRAP1: BS2

Labcorp Genetics (formerly Invitae), Labcorp
Classification: Benign. Last evaluated: 2026-01-27. Review status: criteria provided, single submitter. Criteria: Invitae Variant Classification Sherloc (09022015). Collection method: clinical testing. Allele origin: germline.

Breakthrough Genomics
Classification: Likely benign. Review status: criteria provided, single submitter. Criteria: ACMG Guidelines, 2015. Collection method: not provided. Allele origin: germline. Inheritance: Unknown mechanism. Affected: yes.

PreventionGenetics, part of Exact Sciences
Classification: Likely benign for TRAP1-related condition. Last evaluated: 2019-05-22. Review status: no assertion criteria provided. Collection method: clinical testing. Allele origin: germline. Not counted in ClinVar's aggregate classification.
Comment: This variant is classified as likely benign based on ACMG/AMP sequence variant interpretation guidelines (Richards et al. 2015 PMID: 25741868, with internal and published modifications).

Mayo Clinic Laboratories, Mayo Clinic
Classification: Uncertain significance. Last evaluated: 2016-02-23. Review status: no assertion criteria provided. Collection method: clinical testing. Allele origin: unknown. Not counted in ClinVar's aggregate classification.